The following is an entry in ClinVar:

NC_000023.10:g.(15343275_15344035)_(15353646_?)dup

Gene: PIGA (phosphatidylinositol glycan anchor biosynthesis class A; minus strand). Cytogenetic location: Xp22.2.
Variant type: Duplication.
Identifiers: ClinVar variation 3068991 (VCV003068991.1).

ClinVar aggregate classification (germline): Uncertain significance (1 of 4 stars; one submission).

Submission:

Women's Health and Genetics/Laboratory Corporation of America, LabCorp
Classification: Uncertain significance. Last evaluated: 2024-02-06. Review status: criteria provided, single submitter. Criteria: LabCorp Variant Classification Summary - May 2015. Collection method: clinical testing. Allele origin: germline.
Comment: Variant summary: The variant involves the duplication of exons 1-3 in the PIGA gene. A presumed nomenclature of c.(?_-86)_(848+1_849-1)dup has been designated for the purposes of this classification. The exact breakpoint at the 5' end of this variant is unknown, therefore this duplication may extend upstream of the annotated region of this gene. It is predicted to duplicate a segment including the initiation codon, therefore its impact on the encoded protein is unknown. The variant was absent in 16120 control chromosomes (gnomAD Structural Variants dataset). The available data on variant occurrences in the general population are insufficient to allow any conclusion about variant significance. To our knowledge, no occurrence of c.(?_-86)_(848+1_849-1)dup in individuals affected with Multiple Congenital Anomalies-Hypotonia Syndrome 2 and no experimental evidence demonstrating its impact on protein function have been reported. No submitters have reported clinical-significance assessments for this variant to ClinVar. Based on the evidence outlined above, the variant was classified as uncertain significance.